The following is an entry in ClinVar:

ClinVar aggregate classification (germline): Likely benign. Review status: criteria provided, multiple submitters, no conflicts (2 of 4 stars). 2 submissions from 2 submitters: Likely benign (2). Last evaluated 2025-09-14.

Submissions (2):

Labcorp Genetics (formerly Invitae), Labcorp
Classification: Likely benign. Last evaluated: 2025-09-14. Review status: criteria provided, single submitter. Criteria: Invitae Variant Classification Sherloc (09022015). Collection method: clinical testing. Allele origin: germline.

Mayo Clinic Laboratories, Mayo Clinic
Classification: Likely benign. Last evaluated: 2025-07-22. Review status: criteria provided, single submitter. Criteria: ACMG Guidelines, 2015. Collection method: clinical testing. Allele origin: germline. Observed: 1 variant allele.
Comment: BP4, BP7, PM2_supporting

NM_001367624.2(ZNF469):c.5370C>G (p.Ala1790=)

Gene: ZNF469 (zinc finger protein 469; plus strand). Cytogenetic location: 16q24.2.
Variant type: single nucleotide variant.
Coding change: c.5370C>G on transcript NM_001367624.2 (MANE Select); coding-DNA position 5370, C replaced by G.
Protein change: p.Ala1790=; no amino-acid change (alanine 1790 retained).
Molecular consequence: synonymous variant.
Genome position (GRCh38, 1-based): chr16:88,432,840, C>G. VCF-style: chr16-88432840-C-G. GRCh37 (hg19) VCF-style: chr16-88499248-C-G.
Other names: p.Ala1790=.
Identifiers: ClinVar variation 2982577 (VCV002982577.4), dbSNP rs1906297108, ClinGen allele CA497355532.